The following is an entry in ClinVar:

NM_198129.4(LAMA3):c.9781A>G (p.Ser3261Gly)

Gene: LAMA3 (laminin subunit alpha 3; plus strand). Cytogenetic location: 18q11.2.
Variant type: single nucleotide variant.
Coding change: c.9781A>G on transcript NM_198129.4 (MANE Select); coding-DNA position 9781, A replaced by G.
Protein change: p.Ser3261Gly; replaces serine 3261 with glycine.
Molecular consequence: missense variant.
Genome position (GRCh38, 1-based): chr18:23,953,034, A>G. VCF-style: chr18-23953034-A-G. GRCh37 (hg19) VCF-style: chr18-21532998-A-G.
Other names: c.4954A>G (NM_000227.4); c.4954A>G, p.Ser1652Gly (NM_000227.6); c.9613A>G, p.Ser3205Gly (NM_001127717.4); c.4786A>G, p.Ser1596Gly (NM_001127718.4); short protein forms S3261G, S1596G, S1652G, S3205G.
Identifiers: ClinVar variation 1029726 (VCV001029726.6), dbSNP rs150364364, ClinGen allele CA8917313.

ClinVar aggregate classification (germline): Uncertain significance. Review status: criteria provided, multiple submitters, no conflicts (2 of 4 stars). 4 submissions from 4 submitters: Uncertain significance (4). Last evaluated 2025-12-22.

Conditions:
LAMA3-related disorder. Also called: LAMA3-related disorders; LAMA3-related condition.
Inborn genetic diseases. Identifiers: MedGen C0950123, MeSH D030342.
Junctional epidermolysis bullosa, non-Herlitz type. Also called: Adult junctional epidermolysis bullosa; Epidermolysis bullosa, junctional, non-herlitz type, somatic mosaic revertant; EPIDERMOLYSIS BULLOSA JUNCTIONALIS, DISENTIS TYPE; EPIDERMOLYSIS BULLOSA JUNCTIONALIS, NON-HERLITZ TYPE; EPIDERMOLYSIS BULLOSA JUNCTIONALIS, PROGRESSIVE; EPIDERMOLYSIS BULLOSA JUNCTIONALIS, SEVERE NONLETHAL. Identifiers: Orphanet 251393, Orphanet 79402, Orphanet 79405, Orphanet 89840, MedGen C0268374, MONDO:0009180, OMIM 226650.

Allele frequency attached by ClinVar (database versions not stated): gnomAD exomes 0.00010; ExAC 0.00011; gnomAD 0.00018 and 0.00019; TOPMed 0.00020; ESP Exome Variant Server 0.00023.
gnomAD v4.1: 467 of 1,613,998 alleles (0.029%); highest among the groups gnomAD compares: Non-Finnish European, 0.038%; no homozygotes.

Submissions (4):

PreventionGenetics, part of Exact Sciences
Classification: Uncertain significance for LAMA3-related condition. Last evaluated: 2025-12-22. Review status: criteria provided, single submitter. Criteria: ACMG Guidelines, 2015. Collection method: clinical testing. Allele origin: germline.
Comment: The LAMA3 c.4954A>G variant is predicted to result in the amino acid substitution p.Ser1652Gly. To our knowledge, this variant has not been reported in the literature. This variant is reported in 0.021% of alleles in individuals of European (Non-Finnish) descent in gnomAD. At this time, the clinical significance of this variant is uncertain due to the absence of conclusive functional and genetic evidence.

Ambry Genetics
Classification: Uncertain significance for Inborn genetic diseases. Last evaluated: 2025-04-10. Review status: criteria provided, single submitter. Criteria: Ambry Variant Classification Scheme 2023. Collection method: clinical testing. Allele origin: germline.

Labcorp Genetics (formerly Invitae), Labcorp
Classification: Uncertain significance. Last evaluated: 2024-07-21. Review status: criteria provided, single submitter. Criteria: Invitae Variant Classification Sherloc (09022015). Collection method: clinical testing. Allele origin: germline.
Comment: This sequence change replaces serine, which is neutral and polar, with glycine, which is neutral and non-polar, at codon 1652 of the LAMA3 protein (p.Ser1652Gly). This variant is present in population databases (rs150364364, gnomAD 0.02%). This variant has not been reported in the literature in individuals affected with LAMA3-related conditions. ClinVar contains an entry for this variant (Variation ID: 1029726). An algorithm developed to predict the effect of missense changes on protein structure and function (PolyPhen-2) suggests that this variant¬†is likely to be tolerated. In summary, the available evidence is currently insufficient to determine the role of this variant in disease. Therefore, it has been classified as a Variant of Uncertain Significance.

Baylor Genetics
Classification: Uncertain significance for Junctional epidermolysis bullosa, non-Herlitz type. Last evaluated: 2020-01-16. Review status: criteria provided, single submitter. Criteria: ACMG Guidelines, 2015. Collection method: clinical testing. Allele origin: unknown. Affected: yes.
Comment: This variant was determined to be of uncertain significance according to ACMG Guidelines, 2015 [PMID:25741868].